The following is an entry in ClinVar:

ClinVar aggregate classification (germline): Likely pathogenic (1 of 4 stars; one submission).

Conditions:
Dilated cardiomyopathy 1G (CMD1G). Identifiers: Orphanet 154, MedGen C1858763, MONDO:0011400, OMIM 604145.
Autosomal recessive limb-girdle muscular dystrophy type 2J (LGMDR10). Also called: Limb-girdle muscular dystrophy, type 2J; MUSCULAR DYSTROPHY, LIMB-GIRDLE, AUTOSOMAL RECESSIVE 10. Identifiers: Orphanet 140922, MedGen C1837342, MONDO:0012127, OMIM 608807.

Submission:

Labcorp Genetics (formerly Invitae), Labcorp
Classification: Likely pathogenic for Dilated cardiomyopathy 1G; Autosomal recessive limb-girdle muscular dystrophy type 2J. Last evaluated: 2021-05-31. Review status: criteria provided, single submitter. Criteria: Invitae Variant Classification Sherloc (09022015). Collection method: clinical testing. Allele origin: germline.
Comment: This variant is not present in population databases (ExAC no frequency). In summary, the currently available evidence indicates that the variant is pathogenic, but additional data are needed to prove that conclusively. Therefore, this variant has been classified as Likely Pathogenic. This sequence change creates a premature translational stop signal (p.Trp24170*) in the TTN gene. While this is not anticipated to result in nonsense mediated decay, it is expected to create a truncated TTN protein. This variant has not been reported in the literature in individuals with TTN-related conditions. This variant is located in the A band of TTN (PMID: 25589632). Truncating variants in this region are significantly overrepresented in patients affected with dilated cardiomyopathy (PMID: 25589632). Truncating variants in this region have also been reported in individuals affected with autosomal recessive centronuclear myopathy (PMID: 23975875).

Literature cited by the submitters: PubMed 25589632; PubMed 23975875.

NM_001267550.2(TTN):c.72509G>A (p.Trp24170Ter)

Genes: TTN-AS1 (TTN antisense RNA 1; plus strand), TTN (titin; minus strand). Cytogenetic location: 2q31.2.
Variant type: single nucleotide variant.
Coding change: c.72509G>A on transcript NM_001267550.2 (MANE Select); coding-DNA position 72509, G replaced by A.
Protein change: p.Trp24170Ter; replaces tryptophan 24170 with a stop codon.
Molecular consequence: nonsense.
Genome position (GRCh38, 1-based): chr2:178,573,623, C>T on the plus strand (G>A on the coding strand, the complement: TTN is on the minus strand). VCF-style: chr2-178573623-C-T. GRCh37 (hg19) VCF-style: chr2-179438350-C-T.
Other names: c.67586G>A, p.Trp22529Ter (NM_001256850.1); c.45314G>A, p.Trp15105Ter (NM_003319.4); c.64805G>A, p.Trp21602Ter (NM_133378.4); c.45689G>A, p.Trp15230Ter (NM_133432.3); c.45890G>A, p.Trp15297Ter (NM_133437.4); short protein forms W15297*, W22529*, W15105*, W15230*, W21602*, W24170*.
Identifiers: ClinVar variation 1492340 (VCV001492340.8), dbSNP rs2154170981, ClinGen allele CA349646843.
Genomic context (GRCh38, chr2:178,573,623, plus strand): 5'-CCTTTCAAGAGTTTAGTGACCTTTAGCTTTGTTACTTGGACTTCTGAGGCTACATTTGTC[C>T]ATGCCAATCTGCTGGTTTCACGTTTCTGTACTATGTAATGATCAATTTTGGCACCTCCAT-3'